The following is an entry in ClinVar:

NM_004341.5(CAD):c.1748C>T (p.Ala583Val)

Gene: CAD (carbamoyl-phosphate synthetase 2, aspartate transcarbamylase, and dihydroorotase; plus strand). Cytogenetic location: 2p23.3.
Variant type: single nucleotide variant.
Coding change: c.1748C>T on transcript NM_004341.5 (MANE Select); coding-DNA position 1748, C replaced by T.
Protein change: p.Ala583Val; replaces alanine 583 with valine.
Molecular consequence: missense variant.
Genome position (GRCh38, 1-based): chr2:27,225,832, C>T. VCF-style: chr2-27225832-C-T. GRCh37 (hg19) VCF-style: chr2-27448700-C-T.
Other names: c.1748C>T, p.Ala583Val (NM_001306079.2); short protein forms A583V.
Identifiers: ClinVar variation 1486612 (VCV001486612.3), dbSNP rs2148066181, ClinGen allele CA346206201.
Genomic context (GRCh38, chr2:27,225,832, plus strand): 5'-TGGGCTCTGGCTTTGCCTCTAACAGGGAGGAGCTCTCTGCTCTCGTGGCCCCAGCTTTTG[C>T]CCATACCAGCCAAGTGCTAGTAGACAAGTCTCTGAAGGGATGGAAGGAGATTGAGTACGA-3'
Protein context (NP_004332.2, residues 573-593): ELSALVAPAF[Ala583Val]HTSQVLVDKS

ClinVar aggregate classification (germline): Uncertain significance (1 of 4 stars; one submission).

Submission:

Labcorp Genetics (formerly Invitae), Labcorp
Classification: Uncertain significance. Last evaluated: 2022-06-13. Review status: criteria provided, single submitter. Criteria: Invitae Variant Classification Sherloc (09022015). Collection method: clinical testing. Allele origin: germline.
Comment: This sequence change replaces alanine, which is neutral and non-polar, with valine, which is neutral and non-polar, at codon 583 of the CAD protein (p.Ala583Val). This variant is not present in population databases (gnomAD no frequency). This variant has not been reported in the literature in individuals affected with CAD-related conditions. Algorithms developed to predict the effect of missense changes on protein structure and function are either unavailable or do not agree on the potential impact of this missense change (SIFT: "Deleterious"; PolyPhen-2: "Benign"; Align-GVGD: "Class C0"). In summary, the available evidence is currently insufficient to determine the role of this variant in disease. Therefore, it has been classified as a Variant of Uncertain Significance.